The following is an entry in ClinVar:

NM_014314.4(RIGI):c.1837G>A (p.Asp613Asn)

Gene: RIGI (RNA sensor RIG-I; minus strand). Cytogenetic location: 9p21.1.
Variant type: single nucleotide variant.
Coding change: c.1837G>A on transcript NM_014314.4 (MANE Select); coding-DNA position 1837, G replaced by A.
Protein change: p.Asp613Asn; replaces aspartic acid 613 with asparagine.
Molecular consequence: missense variant.
Genome position (GRCh38, 1-based): chr9:32,477,069, C>T on the plus strand (G>A on the coding strand, the complement: RIGI is on the minus strand). VCF-style: chr9-32477069-C-T. GRCh37 (hg19) VCF-style: chr9-32477067-C-T.
Other names: c.1831G>A, p.Asp611Asn (NM_001385907.1); c.1837G>A, p.Asp613Asn (NM_001385909.1); c.1396G>A, p.Asp466Asn (NM_001385910.1); c.1228G>A, p.Asp410Asn (NM_001385912.1); c.1822G>A, p.Asp608Asn (NM_001385913.1); c.1393G>A, p.Asp465Asn (NM_001385914.1); short protein forms D465N, D608N, D611N, D613N, D410N, D466N.
Identifiers: ClinVar variation 2818883 (VCV002818883.3), dbSNP rs2489311004, ClinGen allele CA373149146.

ClinVar aggregate classification (germline): Uncertain significance (1 of 4 stars; one submission).

Submission:

Labcorp Genetics (formerly Invitae), Labcorp
Classification: Uncertain significance. Last evaluated: 2024-10-23. Review status: criteria provided, single submitter. Criteria: Invitae Variant Classification Sherloc (09022015). Collection method: clinical testing. Allele origin: germline.
Comment: This sequence change replaces aspartic acid, which is acidic and polar, with asparagine, which is neutral and polar, at codon 613 of the DDX58 protein (p.Asp613Asn). This variant is not present in population databases (gnomAD no frequency). This variant has not been reported in the literature in individuals affected with DDX58-related conditions. Invitae Evidence Modeling of protein sequence and biophysical properties (such as structural, functional, and spatial information, amino acid conservation, physicochemical variation, residue mobility, and thermodynamic stability) indicates that this missense variant is not expected to disrupt DDX58 protein function with a negative predictive value of 80%. In summary, the available evidence is currently insufficient to determine the role of this variant in disease. Therefore, it has been classified as a Variant of Uncertain Significance.